The following is an entry in ClinVar:

NM_000535.7(PMS2):c.350T>C (p.Leu117Pro)

Gene: PMS2 (PMS1 homolog 2, mismatch repair system component; minus strand). Cytogenetic location: 7p22.1.
Variant type: single nucleotide variant.
Coding change: c.350T>C on transcript NM_000535.7 (MANE Select); coding-DNA position 350, T replaced by C.
Protein change: p.Leu117Pro; replaces leucine 117 with proline.
Molecular consequence: missense variant. On other transcripts: 5 prime UTR variant (9), non-coding transcript variant (1), intron variant (2).
Genome position (GRCh38, 1-based): chr7:6,003,693, A>G on the plus strand (T>C on the coding strand, the complement: PMS2 is on the minus strand). VCF-style: chr7-6003693-A-G. GRCh37 (hg19) VCF-style: chr7-6043324-A-G.
Other names: c.-56T>C (NM_001322003.2, NM_001322004.2, NM_001322005.2 and 3 more transcripts); c.350T>C, p.Leu117Pro (NM_001322006.2, NM_001322014.2); c.-535T>C (NM_001322011.2, NM_001322012.2); c.-135T>C (NM_001322015.2); c.35+279T>C (NM_001322008.2, NM_001322007.2); short protein forms L117P.
Identifiers: ClinVar variation 919892 (VCV000919892.7), dbSNP rs1785362083, ClinGen allele CA366744529.

ClinVar aggregate classification (germline): Uncertain significance. Review status: criteria provided, multiple submitters, no conflicts (2 of 4 stars). 2 submissions from 2 submitters: Uncertain significance (2). Last evaluated 2024-03-07.

Conditions:
Hereditary cancer-predisposing syndrome. Also called: Neoplastic Syndromes, Hereditary; Tumor predisposition; Hereditary Cancer Syndrome; Hereditary neoplastic syndrome. Identifiers: Orphanet 140162, MedGen C0027672, MeSH D009386, MONDO:0015356.

Submissions (2):

Color Diagnostics, LLC DBA Color Health
Classification: Uncertain significance for Hereditary cancer-predisposing syndrome. Last evaluated: 2024-03-07. Review status: criteria provided, single submitter. Criteria: ACMG Guidelines, 2015. Collection method: clinical testing. Allele origin: germline.
Comment: This missense variant replaces leucine with proline at codon 117 of the PMS2 protein. Computational prediction suggests that this variant may have deleterious impact on protein structure and function (internally defined REVEL score threshold >= 0.7, PMID: 27666373). Splice site prediction tools suggest that this variant may not impact RNA splicing. To our knowledge, functional studies have not been reported for this variant. This variant has not been reported in individuals affected with hereditary cancer in the literature. This variant has not been identified in the general population by the Genome Aggregation Database (gnomAD). The available evidence is insufficient to determine the role of this variant in disease conclusively. Therefore, this variant is classified as a Variant of Uncertain Significance.

Ambry Genetics
Classification: Uncertain significance for Hereditary cancer-predisposing syndrome. Last evaluated: 2023-08-14. Review status: criteria provided, single submitter. Criteria: Ambry Variant Classification Scheme 2023. Collection method: clinical testing. Allele origin: germline.
Comment: The p.L117P variant (also known as c.350T>C), located in coding exon 4 of the PMS2 gene, results from a T to C substitution at nucleotide position 350. The leucine at codon 117 is replaced by proline, an amino acid with similar properties. This amino acid position is highly conserved in available vertebrate species. In addition, this alteration is predicted to be deleterious by in silico analysis. Since supporting evidence is limited at this time, the clinical significance of this alteration remains unclear.